The following is an entry in ClinVar:

ClinVar aggregate classification (germline): Benign/Likely benign. Review status: criteria provided, multiple submitters, no conflicts (2 of 4 stars). 5 submissions from 5 submitters: Benign (1); Likely benign (3). 1 of the submissions does not count toward it. Last evaluated 2026-07-27.

Conditions:
Inborn genetic diseases. Identifiers: MedGen C0950123, MeSH D030342.
CACNA1A-related disorder. Also called: CACNA1A-related condition.

Allele frequency attached by ClinVar (database versions not stated): TOPMed 0.00001; gnomAD exomes 0.00029; 1000 Genomes Project 30x 0.00109; ExAC 0.00133; 1000 Genomes Project 0.00140.
gnomAD v4.1: 130 of 1,466,092 alleles (0.0089%); highest among the groups gnomAD compares: South Asian, 0.15%; no homozygotes.

Submissions (5):

Ambry Genetics
Classification: Likely benign for Inborn genetic diseases. Last evaluated: 2026-07-27. Review status: criteria provided, single submitter. Criteria: Ambry Variant Classification Scheme 2023. Collection method: clinical testing. Allele origin: germline.

Blueprint Genetics
Classification: Likely benign. Last evaluated: 2024-11-22. Review status: criteria provided, single submitter. Criteria: ACMG Guidelines, 2015. Collection method: clinical testing. Allele origin: germline.

GeneDx
Classification: Likely benign. Last evaluated: 2020-11-08. Review status: criteria provided, single submitter. Criteria: GeneDx Variant Classification Process June 2021. Collection method: clinical testing. Allele origin: germline. Affected: yes.

Athena Diagnostics
Classification: Benign. Last evaluated: 2017-10-26. Review status: criteria provided, single submitter. Criteria: Athena Diagnostics Criteria. Collection method: clinical testing. Allele origin: germline.

PreventionGenetics, part of Exact Sciences
Classification: Likely benign for CACNA1A-related condition. Last evaluated: 2022-11-14. Review status: no assertion criteria provided. Collection method: clinical testing. Allele origin: germline. Not counted in ClinVar's aggregate classification.
Comment: This variant is classified as likely benign based on ACMG/AMP sequence variant interpretation guidelines (Richards et al. 2015 PMID: 25741868, with internal and published modifications).

NM_001127222.2(CACNA1A):c.7274G>A (p.Gly2425Asp)

Gene: CACNA1A (calcium voltage-gated channel subunit alpha1 A; minus strand). Cytogenetic location: 19p13.13.
Variant type: single nucleotide variant.
Coding change: c.7274G>A on transcript NM_001127222.2 (MANE Select); coding-DNA position 7274, G replaced by A.
Protein change: p.Gly2425Asp; replaces glycine 2425 with aspartic acid.
Molecular consequence: missense variant. On other transcripts: 3 prime UTR variant (3).
Genome position (GRCh38, 1-based): chr19:13,207,560, C>T on the plus strand (G>A on the coding strand, the complement: CACNA1A is on the minus strand). VCF-style: chr19-13207560-C-T. GRCh37 (hg19) VCF-style: chr19-13318374-C-T.
Other names: c.*486G>A (NM_001127221.1, NM_000068.4, NM_001127221.2 and 1 more transcripts); c.7274G>A (NM_001127222.1); c.7292G>A, p.Gly2431Asp (NM_023035.3); short protein forms G2431D, G2425D.
Identifiers: ClinVar variation 585585 (VCV000585585.8), dbSNP rs555362569, ClinGen allele CA9239194.